The following is an entry in ClinVar:

NM_001042492.3(NF1):c.2252-1G>A

Gene: NF1 (neurofibromin 1; plus strand). Cytogenetic location: 17q11.2.
Variant type: single nucleotide variant.
Coding change: c.2252-1G>A on transcript NM_001042492.3 (MANE Select); the canonical splice acceptor site of the intron before coding-DNA position 2252, G replaced by A.
Molecular consequence: splice acceptor variant.
Genome position (GRCh38, 1-based): chr17:31,227,217, G>A. VCF-style: chr17-31227217-G-A. GRCh37 (hg19) VCF-style: chr17-29554235-G-A.
Other names: c.2252-1G>A (NM_001042492.2, NM_000267.4).
Identifiers: ClinVar variation 457575 (VCV000457575.11), dbSNP rs587781577, ClinGen allele CA398982655.
Genomic context (GRCh38, chr17:31,227,217, plus strand): 5'-TTCTCCATTGGCAGGCAGGGCTCTAAGTGCAGTAACTTGATTTGCTGTTGTATTTGCTTA[G>A]GAAGAGCAGCACTTCAGAAAAGAGTGATGGCACTGCTGAGGCGCATTGAGCATCCCACTG-3'

ClinVar aggregate classification (germline): Pathogenic. Review status: criteria provided, multiple submitters, no conflicts (2 of 4 stars). 3 submissions from 3 submitters: Pathogenic (3). Last evaluated 2024-09-17.

Conditions:
Neurofibromatosis, type 1 (NF1). Also called: VON RECKLINGHAUSEN DISEASE; NEUROFIBROMATOSIS, TYPE I, SOMATIC; Peripheral type neurofibromatosis; Neurofibromatosis, type I. Identifiers: Orphanet 636, MedGen C0027831, MONDO:0018975, OMIM 162200. Disease mechanism: loss of function.

Submissions (3):

Labcorp Genetics (formerly Invitae), Labcorp
Classification: Pathogenic for Neurofibromatosis, type 1. Last evaluated: 2024-09-17. Review status: criteria provided, single submitter. Criteria: Invitae Variant Classification Sherloc (09022015). Collection method: clinical testing. Allele origin: germline.
Comment: This sequence change affects an acceptor splice site in intron 18 of the NF1 gene. It is expected to disrupt RNA splicing. Variants that disrupt the donor or acceptor splice site typically lead to a loss of protein function (PMID: 16199547), and loss-of-function variants in NF1 are known to be pathogenic (PMID: 10712197, 23913538). This variant is not present in population databases (gnomAD no frequency). Disruption of this splice site has been observed in individuals with neurofibromatosis type 1 (PMID: 12872266; internal data). ClinVar contains an entry for this variant (Variation ID: 457575). Algorithms developed to predict the effect of sequence changes on RNA splicing suggest that this variant may disrupt the consensus splice site. For these reasons, this variant has been classified as Pathogenic.

Molecular Genetics, Royal Melbourne Hospital
Classification: Pathogenic for Neurofibromatosis, type 1. Last evaluated: 2023-03-30. Review status: criteria provided, single submitter. Criteria: ACMG Guidelines, 2015. Collection method: clinical testing. Allele origin: germline. Affected: yes.
Comment: This sequence change affects the canonical acceptor splice site in intron 18 of NF1. It is expected to disrupt RNA splicing (not confirmed in RNA assays) and likely results in an absent or disrupted protein product. Premature protein termination has been detected for another variant disrupting this splice site (PMID: 12872266). Loss of function is a well-established mechanism of disease for this gene (PVS1; ClinVar). The variant is absent in a large population cohort (PM2; gnomAD v2.1 and v3.0), and has been observed in at least two individuals with a clinical diagnosis of neurofibromatosis type 1 (PS4_Supporting; Royal Melbourne Hospital, Invitae - ClinVar ID: 457575). Based on the classification scheme RMH ACMG Guidelines v1.2.1, this variant is classified as PATHOGENIC. Following criteria are met: PVS1, PM2, PS4_Supporting.

Genome-Nilou Lab
Classification: Pathogenic for Neurofibromatosis, type 1. Last evaluated: 2022-03-15. Review status: criteria provided, single submitter. Criteria: ACMG Guidelines, 2015. Collection method: clinical testing. Allele origin: germline. Affected: no.

Literature cited by the submitters: PubMed 16199547 (cited by Labcorp Genetics (formerly Invitae), Labcorp); PubMed 10712197 (cited by Labcorp Genetics (formerly Invitae), Labcorp); PubMed 23913538 (cited by Labcorp Genetics (formerly Invitae), Labcorp); PubMed 12872266 (cited by Labcorp Genetics (formerly Invitae), Labcorp and Molecular Genetics, Royal Melbourne Hospital).